The following is an entry in ClinVar:

NM_006302.3(MOGS):c.406A>T (p.Thr136Ser)

Gene: MOGS (mannosyl-oligosaccharide glucosidase; minus strand). Cytogenetic location: 2p13.1.
Variant type: single nucleotide variant.
Coding change: c.406A>T on transcript NM_006302.3 (MANE Select); coding-DNA position 406, A replaced by T.
Protein change: p.Thr136Ser; replaces threonine 136 with serine.
Molecular consequence: missense variant.
Genome position (GRCh38, 1-based): chr2:74,464,669, T>A on the plus strand (A>T on the coding strand, the complement: MOGS is on the minus strand). VCF-style: chr2-74464669-T-A. GRCh37 (hg19) VCF-style: chr2-74691796-T-A.
Other names: c.88A>T, p.Thr30Ser (NM_001146158.2); short protein forms T136S, T30S.
Identifiers: ClinVar variation 1713793 (VCV001713793.6), dbSNP rs2529503806, ClinGen allele CA347381959.

ClinVar aggregate classification (germline): Uncertain significance (1 of 4 stars; one submission).

Conditions:
MOGS-congenital disorder of glycosylation. Also called: MOGS-CDG; CDG 2B; GLUCOSIDASE I DEFICIENCY; CDG IIb. Identifiers: Orphanet 79330, MedGen C1853736, MONDO:0011629, OMIM 606056.

Submission:

Labcorp Genetics (formerly Invitae), Labcorp
Classification: Uncertain significance for MOGS-congenital disorder of glycosylation. Last evaluated: 2022-07-28. Review status: criteria provided, single submitter. Criteria: Invitae Variant Classification Sherloc (09022015). Collection method: clinical testing. Allele origin: germline.
Comment: This sequence change replaces threonine, which is neutral and polar, with serine, which is neutral and polar, at codon 136 of the MOGS protein (p.Thr136Ser). This variant is not present in population databases (gnomAD no frequency). This variant has not been reported in the literature in individuals affected with MOGS-related conditions. Algorithms developed to predict the effect of missense changes on protein structure and function are either unavailable or do not agree on the potential impact of this missense change (SIFT: "Tolerated"; PolyPhen-2: "Probably Damaging"; Align-GVGD: "Class C0"). In summary, the available evidence is currently insufficient to determine the role of this variant in disease. Therefore, it has been classified as a Variant of Uncertain Significance.